The following is an entry in ClinVar:

ClinVar aggregate classification (germline): Uncertain significance (1 of 4 stars; one submission).

Submission:

GeneDx
Classification: Uncertain significance. Last evaluated: 2024-08-01. Review status: criteria provided, single submitter. Criteria: GeneDx Variant Classification Process June 2021. Collection method: clinical testing. Allele origin: germline. Affected: yes.
Comment: Not observed at significant frequency in large population cohorts (gnomAD); In silico analysis supports that this missense variant has a deleterious effect on protein structure/function; Has not been previously published as pathogenic or benign to our knowledge; This variant is associated with the following publications: (PMID: 21388311)

NM_004393.6(DAG1):c.572T>G (p.Leu191Trp)

Gene: DAG1 (dystroglycan 1; plus strand). Cytogenetic location: 3p21.31.
Variant type: single nucleotide variant.
Coding change: c.572T>G on transcript NM_004393.6 (MANE Select); coding-DNA position 572, T replaced by G.
Protein change: p.Leu191Trp; replaces leucine 191 with tryptophan.
Molecular consequence: missense variant.
Genome position (GRCh38, 1-based): chr3:49,531,083, T>G. VCF-style: chr3-49531083-T-G. GRCh37 (hg19) VCF-style: chr3-49568516-T-G.
Other names: c.572T>G, p.Leu191Trp (NM_001165928.4, NM_001177634.3, NM_001177635.3 and 9 more transcripts); short protein forms L191W.
Identifiers: ClinVar variation 3602375 (VCV003602375.1).